The following is an entry in ClinVar:

NM_001127178.3(PIGG):c.1173_1174del (p.Tyr392fs)

Gene: PIGG (phosphatidylinositol glycan anchor biosynthesis class G (EMM blood group); plus strand). Cytogenetic location: 4p16.3.
Variant type: Deletion.
Coding change: c.1173_1174del on transcript NM_001127178.3 (MANE Select); coding-DNA positions 1173 to 1174, 2 bases deleted (GT; older notation c.1173_1174delGT).
Protein change: p.Tyr392fs; shifts the reading frame from tyrosine 392.
Molecular consequence: frameshift variant. On other transcripts: 5 prime UTR variant (2), non-coding transcript variant (10), intron variant (1).
Genome position (GRCh38, 1-based): chr4:521,114-521,115, GT deleted; deleting any 2 consecutive bases within chr4:521,113-521,115 gives the same sequence; the c. name uses the placement nearest the transcript's 3' end. VCF-style (leftmost placement, unchanged base first): chr4-521112-CTG-C. GRCh37 (hg19) VCF-style: chr4-514901-CTG-C.
Other names: c.906_907del, p.Tyr303fs (NM_001289051.2, NM_001289053.2, NM_001345986.2 and 1 more transcripts); c.774_775del, p.Tyr259fs (NM_001289052.2); c.807_808del, p.Tyr270fs (NM_001289055.2); c.144_145del, p.Tyr49fs (NM_001345988.2); c.1173_1174del, p.Tyr392fs (NM_001345989.2, NM_017733.5); c.-315_-314del (NM_001345990.2, NM_001345991.2); c.99_100del, p.Tyr34fs (NM_001345994.2); c.848-546_848-545del (NM_001289057.2); short protein forms Y270fs, Y49fs, Y259fs, Y34fs, Y392fs, Y303fs.
Identifiers: ClinVar variation 1381176 (VCV001381176.6), dbSNP rs2108940028, ClinGen allele CA2573137497.

ClinVar aggregate classification (germline): Pathogenic (1 of 4 stars; one submission).

Conditions:
Intellectual disability, autosomal recessive 53 (NEDHSCA). Also called: GLYCOSYLPHOSPHATIDYLINOSITOL BIOSYNTHESIS DEFECT 13; Mental retardation, autosomal recessive 53; NEURODEVELOPMENTAL DISORDER WITH OR WITHOUT HYPOTONIA, SEIZURES, AND CEREBELLAR ATROPHY. Identifiers: Orphanet 488635, MedGen C4310794, MONDO:0014832, OMIM 616917.

Submission:

Labcorp Genetics (formerly Invitae), Labcorp
Classification: Pathogenic for Intellectual disability, autosomal recessive 53. Last evaluated: 2021-07-13. Review status: criteria provided, single submitter. Criteria: Invitae Variant Classification Sherloc (09022015). Collection method: clinical testing. Allele origin: germline.
Comment: For these reasons, this variant has been classified as Pathogenic. This variant has not been reported in the literature in individuals affected with PIGG-related conditions. This variant is not present in population databases (ExAC no frequency). This sequence change creates a premature translational stop signal (p.Tyr392Leufs*70) in the PIGG gene. It is expected to result in an absent or disrupted protein product. Loss-of-function variants in PIGG are known to be pathogenic (PMID: 26996948, 28581210, 28771251).

Literature cited by the submitters: PubMed 26996948; PubMed 28581210; PubMed 28771251.